The following is an entry in ClinVar:

ClinVar aggregate classification (germline): Uncertain significance (1 of 4 stars; one submission).

Conditions:
Achondrogenesis, type IA (ACG1A). Identifiers: Orphanet 932, Orphanet 93299, MedGen C0265273, MONDO:0008701, OMIM 200600.

Allele frequency attached by ClinVar (database versions not stated): gnomAD 0.00001 and 0.00002; ExAC 0.00002; gnomAD exomes 0.00003 and 0.00006; TOPMed 0.00006; 1000 Genomes Project 30x 0.00016; 1000 Genomes Project 0.00020.
gnomAD v4.1: 22 of 1,612,572 alleles (0.0014%); highest among the groups gnomAD compares: Admixed American, 0.032%; no homozygotes.

Submission:

Labcorp Genetics (formerly Invitae), Labcorp
Classification: Uncertain significance for Achondrogenesis, type IA. Last evaluated: 2022-08-20. Review status: criteria provided, single submitter. Criteria: Invitae Variant Classification Sherloc (09022015). Collection method: clinical testing. Allele origin: germline.
Comment: This sequence change falls in intron 20 of the TRIP11 gene. It does not directly change the encoded amino acid sequence of the TRIP11 protein. This variant is present in population databases (rs189330326, gnomAD 0.04%). This variant has not been reported in the literature in individuals affected with TRIP11-related conditions. ClinVar contains an entry for this variant (Variation ID: 836694). Algorithms developed to predict the effect of sequence changes on RNA splicing suggest that this variant may disrupt the consensus splice site. In summary, the available evidence is currently insufficient to determine the role of this variant in disease. Therefore, it has been classified as a Variant of Uncertain Significance.

NM_004239.4(TRIP11):c.5720-5T>G

Gene: TRIP11 (thyroid hormone receptor interactor 11; minus strand). Cytogenetic location: 14q32.12.
Variant type: single nucleotide variant.
Coding change: c.5720-5T>G on transcript NM_004239.4 (MANE Select); 5 bases into the intron before coding-DNA position 5720, T replaced by G.
Molecular consequence: intron variant.
Genome position (GRCh38, 1-based): chr14:91,969,898, A>C on the plus strand (T>G on the coding strand, the complement: TRIP11 is on the minus strand). VCF-style: chr14-91969898-A-C. GRCh37 (hg19) VCF-style: chr14-92436242-A-C.
Other names: c.5717-5T>G (NM_001321851.1).
Identifiers: ClinVar variation 836694 (VCV000836694.7), dbSNP rs189330326, ClinGen allele CA7313061.
Genomic context (GRCh38, chr14:91,969,898, plus strand): 5'-AGGAGCCAAAAACGGATTTACATCTGTTCTTCTACCAGACCTGGATTCTGCTGTATCTAA[A>C]GAATAAAATATGGATTTAGTCTCCTATCTTTCACAAAGAAGTCAAAATGAAATAACTCTG-3'